The following is an entry in ClinVar:

NM_198239.2(CCN6):c.737del (p.Leu246fs)

Gene: CCN6 (cellular communication network factor 6; plus strand). Cytogenetic location: 6q21.
Variant type: Deletion.
Coding change: c.737del on transcript NM_198239.2 (MANE Select); coding-DNA position 737, one base deleted (T; older notation c.737delT).
Protein change: p.Leu246fs; shifts the reading frame from leucine 246.
Molecular consequence: frameshift variant. On other transcripts: non-coding transcript variant (2).
Genome position (GRCh38, 1-based): chr6:112,068,352, T deleted. VCF-style (leftmost placement, unchanged base first): chr6-112068351-CT-C. GRCh37 (hg19) VCF-style: chr6-112389554-CT-C.
Other names: c.737del, p.Leu246fs (NM_003880.4); short protein forms L246fs.
Identifiers: ClinVar variation 1806291 (VCV001806291.1), dbSNP rs2546929184, ClinGen allele CA923726105.

ClinVar aggregate classification (germline): Pathogenic (1 of 4 stars; one submission).

Conditions:
Progressive pseudorheumatoid dysplasia (PPRD). Also called: Progressive Pseudorheumatoid Arthropathy of Childhood; SPONDYLOEPIPHYSEAL DYSPLASIA TARDA WITH PROGRESSIVE ARTHROPATHY. Identifiers: Orphanet 1159, MedGen C0432215, MONDO:0008827, OMIM 208230. Disease mechanism: loss of function.

Submission:

Victorian Clinical Genetics Services, Murdoch Childrens Research Institute
Classification: Pathogenic for Progressive pseudorheumatoid dysplasia. Last evaluated: 2020-05-26. Review status: criteria provided, single submitter. Criteria: ACMG Guidelines, 2015. Collection method: clinical testing. Allele origin: germline. Inheritance: Autosomal recessive inheritance. Affected: yes.
Comment: Based on the classification scheme VCGS_Germline_v1.1.1, this variant is classified as Pathogenic. Following criteria are met: 0102 - Loss-of-function is a known mechanism of disease for this gene. (N) 0106 - This gene is known to be associated with autosomal recessive disease. The WISP3 gene is also known as CCN6. (N) 0205 - Variant is predicted to result in a truncated protein with less than 1/3 of the protein affected (exon 5 of 6). (P) 0251 - Variant is heterozygous. (N) 0301 - Variant is absent from gnomAD. (P) 0701 - Comparable variants have very strong previous evidence for pathogenicity. Multiple variants predicted to cause a truncated protein have been reported in individuals with progressive pseudorheumatoid arthropathy (ClinVar) (P) 0807 - Variant has not previously been reported in a clinical context. (N) 0905 - No segregation evidence has been identified for this variant. (N) 1007 - No published functional evidence has been identified for this variant. (N) 1201 - Heterozygous variant detected in trans with a second (at least likely) pathogenic heterozygous variant in a recessive disease. (N) Legend: (P) - Pathogenic, (N) - Neutral, (B) - Benign